The following is an entry in ClinVar:

NM_006059.4(LAMC3):c.797C>G (p.Ser266Cys)

Gene: LAMC3 (laminin subunit gamma 3; plus strand). Cytogenetic location: 9q34.12.
Variant type: single nucleotide variant.
Coding change: c.797C>G on transcript NM_006059.4 (MANE Select); coding-DNA position 797, C replaced by G.
Protein change: p.Ser266Cys; replaces serine 266 with cysteine.
Molecular consequence: missense variant.
Genome position (GRCh38, 1-based): chr9:131,032,163, C>G. VCF-style: chr9-131032163-C-G. GRCh37 (hg19) VCF-style: chr9-133907550-C-G.
Other names: short protein forms S266C.
Identifiers: ClinVar variation 1314246 (VCV001314246.2), dbSNP rs1833836345, ClinGen allele CA375254696.

ClinVar aggregate classification (germline): Uncertain significance (1 of 4 stars; one submission).

Allele frequency attached by ClinVar (database versions not stated): TOPMed below 0.00001.

Submission:

GeneDx
Classification: Uncertain significance. Last evaluated: 2020-01-27. Review status: criteria provided, single submitter. Criteria: GeneDx Variant Classification Process June 2021. Collection method: clinical testing. Allele origin: germline. Affected: yes.
Comment: Not observed [at a significant frequency] in large population cohorts (Lek et al., 2016); In silico analysis, which includes protein predictors and evolutionary conservation, supports a deleterious effect; Has not been previously published as pathogenic or benign to our knowledge